The following is an entry in ClinVar:

ClinVar aggregate classification (germline): Likely pathogenic (1 of 4 stars; one submission).

Submission:

Quest Diagnostics Nichols Institute San Juan Capistrano
Classification: Likely pathogenic. Last evaluated: 2022-07-27. Review status: criteria provided, single submitter. Criteria: ACMG/ClinGen CNV Guidelines, 2019. Collection method: clinical testing. Allele origin: unknown.
Comment: The copy number loss of 7q11.22 involves multiple exons of an intragenic segment of ASTN2 (OMIM 607270; NM_015570.4). Heterozygous sequence variants of ASTN2 have been associated with autosomal dominant intellectual developmental disorder-26 (MRD26; OMIM 615834). A similar deletion was reported in an individual with intellectual disability and/or multiple congenital anomalies (Beunders et al., Am J Hum Genet. 2013 Feb 7;92(2):210-20. PMID: 23332918). There are no similar copy number losses of this region in the general populations of the Database of Genomic Variants. Thus, based on literature review and gene content, this copy number gain is interpreted as likely pathogenic.

GRCh37/hg19 7q11.22(chr7:70123570-70236724)x1

Gene: AUTS2 (activator of transcription and developmental regulator AUTS2; plus strand). Cytogenetic location: 7q11.22.
Variant type: copy number loss.
Change: copy number 1 (one copy instead of two) of chr7:70,123,570-70,236,724 (113.2 kb, GRCh37 coordinates, 1-based), cytogenetic band 7q11.22.
Identifiers: ClinVar variation 2685246 (VCV002685246.1).